The following is an entry in ClinVar:

ClinVar aggregate classification (germline): Benign/Likely benign. Review status: criteria provided, multiple submitters, no conflicts (2 of 4 stars). 4 submissions from 4 submitters: Benign (2); Likely benign (2). Last evaluated 2026-02-02.

Allele frequency attached by ClinVar (database versions not stated): gnomAD exomes 0.00035 and 0.00085; ExAC 0.00111; ESP Exome Variant Server 0.00344; gnomAD 0.00361 and 0.00387; TOPMed 0.00400; 1000 Genomes Project 0.00419; 1000 Genomes Project 30x 0.00484.
gnomAD v4.1: 1,066 of 1,613,234 alleles (0.066%); highest among the groups gnomAD compares: African/African-American, 1.3%; 4 homozygotes.

Submissions (4):

Labcorp Genetics (formerly Invitae), Labcorp
Classification: Benign. Last evaluated: 2026-02-02. Review status: criteria provided, single submitter. Criteria: Invitae Variant Classification Sherloc (09022015). Collection method: clinical testing. Allele origin: germline.

CeGaT Center for Human Genetics Tuebingen
Classification: Likely benign. Last evaluated: 2025-07-01. Review status: criteria provided, single submitter. Criteria: CeGaT Center For Human Genetics Tuebingen Variant Classification Criteria Version 2. Collection method: clinical testing. Allele origin: germline. Affected: yes. Observed: 2 variant alleles.
Comment: PCLO: BP4, BP7, BS1

Blueprint Genetics
Classification: Likely benign. Last evaluated: 2024-03-07. Review status: criteria provided, single submitter. Criteria: ACMG Guidelines, 2015. Collection method: clinical testing. Allele origin: germline.

Breakthrough Genomics
Classification: Benign. Review status: criteria provided, single submitter. Criteria: ACMG Guidelines, 2015. Collection method: not provided. Allele origin: germline. Inheritance: Autosomal recessive inheritance. Affected: yes.

NM_033026.6(PCLO):c.13902G>A (p.Gln4634=)

Gene: PCLO (piccolo presynaptic cytomatrix protein; minus strand). Cytogenetic location: 7q21.11.
Variant type: single nucleotide variant.
Coding change: c.13902G>A on transcript NM_033026.6 (MANE Select); coding-DNA position 13902, G replaced by A.
Protein change: p.Gln4634=; no amino-acid change (glutamine 4634 retained).
Molecular consequence: synonymous variant.
Genome position (GRCh38, 1-based): chr7:82,845,415, C>T on the plus strand (G>A on the coding strand, the complement: PCLO is on the minus strand). VCF-style: chr7-82845415-C-T. GRCh37 (hg19) VCF-style: chr7-82474731-C-T.
Other names: c.13902G>A, p.Gln4634= (NM_014510.3).
Identifiers: ClinVar variation 716954 (VCV000716954.31), dbSNP rs79031897, ClinGen allele CA4318992.